The following is an entry in ClinVar:

NM_000484.4(APP):c.677T>A (p.Val226Glu)

Gene: APP (amyloid beta precursor protein; minus strand). Cytogenetic location: 21q21.3.
Variant type: single nucleotide variant.
Coding change: c.677T>A on transcript NM_000484.4 (MANE Select); coding-DNA position 677, T replaced by A.
Protein change: p.Val226Glu; replaces valine 226 with glutamic acid.
Molecular consequence: missense variant.
Genome position (GRCh38, 1-based): chr21:26,022,028, A>T on the plus strand (T>A on the coding strand, the complement: APP is on the minus strand). VCF-style: chr21-26022028-A-T. GRCh37 (hg19) VCF-style: chr21-27394344-A-T.
Other names: c.662T>A, p.Val221Glu (NM_001136016.3); c.509T>A, p.Val170Glu (NM_001136129.3, NM_001136130.3); c.572T>A, p.Val191Glu (NM_001136131.3); c.677T>A, p.Val226Glu (NM_001204301.2, NM_001204302.2, NM_001204303.2 and 3 more transcripts); short protein forms V221E, V226E, V170E, V191E.
Identifiers: ClinVar variation 3637811 (VCV003637811.2).

ClinVar aggregate classification (germline): Uncertain significance (1 of 4 stars; one submission).

Conditions:
Alzheimer disease. Also called: Presenile and senile dementia; Alzheimer's disease. Identifiers: Orphanet 1020, MedGen C0002395, MeSH D000544, MONDO:0004975, HP:0002511.

Submission:

Labcorp Genetics (formerly Invitae), Labcorp
Classification: Uncertain significance for Alzheimer disease. Last evaluated: 2024-07-24. Review status: criteria provided, single submitter. Criteria: Invitae Variant Classification Sherloc (09022015). Collection method: clinical testing. Allele origin: germline.
Comment: This sequence change replaces valine, which is neutral and non-polar, with glutamic acid, which is acidic and polar, at codon 226 of the APP protein (p.Val226Glu). This variant is not present in population databases (gnomAD no frequency). This variant has not been reported in the literature in individuals affected with APP-related conditions. Advanced modeling of protein sequence and biophysical properties (such as structural, functional, and spatial information, amino acid conservation, physicochemical variation, residue mobility, and thermodynamic stability) performed at Invitae indicates that this missense variant is not expected to disrupt APP protein function with a negative predictive value of 95%. In summary, the available evidence is currently insufficient to determine the role of this variant in disease. Therefore, it has been classified as a Variant of Uncertain Significance.